The following is an entry in ClinVar:

NM_000642.3(AGL):c.514T>G (p.Cys172Gly)

Gene: AGL (amylo-alpha-1,6-glucosidase and 4-alpha-glucanotransferase; plus strand). Cytogenetic location: 1p21.2.
Variant type: single nucleotide variant.
Coding change: c.514T>G on transcript NM_000642.3 (MANE Select); coding-DNA position 514, T replaced by G.
Protein change: p.Cys172Gly; replaces cysteine 172 with glycine.
Molecular consequence: missense variant.
Genome position (GRCh38, 1-based): chr1:99,864,439, T>G. VCF-style: chr1-99864439-T-G. GRCh37 (hg19) VCF-style: chr1-100329995-T-G.
Other names: c.514T>G, p.Cys172Gly (NM_000028.3, NM_000643.3, NM_000644.3 and 3 more transcripts); c.466T>G, p.Cys156Gly (NM_000646.3); c.136T>G, p.Cys46Gly (NM_001425332.1); short protein forms C156G, C172G, C46G.
Identifiers: ClinVar variation 1409357 (VCV001409357.4), dbSNP rs2101093781, ClinGen allele CA341335247.
Genomic context (GRCh38, chr1:99,864,439, plus strand): 5'-TTTGCAGGCTACAACATGATTCATTTTACCCCATTGCAGACTCTTGGACTATCTAGGTCA[T>G]GCTACTCCCTTGCCAATCAGTTAGAATTAAATCCTGACTTTTCAAGACCTAATAGAAAGT-3'
Protein context (NP_000633.2, residues 162-182): PLQTLGLSRS[Cys172Gly]YSLANQLELN

ClinVar aggregate classification (germline): Uncertain significance (1 of 4 stars; one submission).

Conditions:
Glycogen storage disease type III (GSD3). Also called: Cori disease; FORBES DISEASE. Identifiers: Orphanet 366, MedGen C0017922, MONDO:0009291, OMIM 232400.

Allele frequency attached by ClinVar (database versions not stated): gnomAD exomes below 0.00001.

Submission:

Labcorp Genetics (formerly Invitae), Labcorp
Classification: Uncertain significance for Glycogen storage disease type III. Last evaluated: 2021-08-05. Review status: criteria provided, single submitter. Criteria: Invitae Variant Classification Sherloc (09022015). Collection method: clinical testing. Allele origin: germline.
Comment: This sequence change replaces cysteine with glycine at codon 172 of the AGL protein (p.Cys172Gly). The cysteine residue is moderately conserved and there is a large physicochemical difference between cysteine and glycine. This variant is not present in population databases (ExAC no frequency). In summary, the available evidence is currently insufficient to determine the role of this variant in disease. Therefore, it has been classified as a Variant of Uncertain Significance. Algorithms developed to predict the effect of sequence changes on RNA splicing suggest that this variant may create or strengthen a splice site. Algorithms developed to predict the effect of missense changes on protein structure and function (SIFT, PolyPhen-2, Align-GVGD) all suggest that this variant is likely to be tolerated. This variant has not been reported in the literature in individuals affected with AGL-related conditions.